The following is an entry in ClinVar:

NM_000238.4(KCNH2):c.1742C>A (p.Ser581Ter)

Gene: KCNH2 (potassium voltage-gated channel subfamily H member 2; minus strand). Cytogenetic location: 7q36.1.
Variant type: single nucleotide variant.
Coding change: c.1742C>A on transcript NM_000238.4 (MANE Select); coding-DNA position 1742, C replaced by A.
Protein change: p.Ser581Ter; replaces serine 581 with a stop codon.
Molecular consequence: nonsense.
Genome position (GRCh38, 1-based): chr7:150,951,651, G>T on the plus strand (C>A on the coding strand, the complement: KCNH2 is on the minus strand). VCF-style: chr7-150951651-G-T. GRCh37 (hg19) VCF-style: chr7-150648739-G-T.
Other names: p.S581*:TCA>TAA; c.722C>A, p.Ser241Ter (NM_001204798.2, NM_172057.3); c.1454C>A, p.Ser485Ter (NM_001406753.1, NM_001406756.1); c.1565C>A, p.Ser522Ter (NM_001406755.1); c.1442C>A, p.Ser481Ter (NM_001406757.1); c.1742C>A, p.Ser581Ter (NM_172056.3); short protein forms S241*, S581*, S485*, S522*, S481*.
Identifiers: ClinVar variation 200737 (VCV000200737.7), dbSNP rs794728483, ClinGen allele CA005339.

ClinVar aggregate classification (germline): Pathogenic/Likely pathogenic. Review status: criteria provided, multiple submitters, no conflicts (2 of 4 stars). 2 submissions from 2 submitters: Pathogenic (1); Likely pathogenic (1). Last evaluated 2026-02-09.

Conditions:
Long QT syndrome (LQTS). Identifiers: MedGen C0023976, MeSH D008133, MONDO:0002442. Disease mechanism: loss of function. Inheritance: Various modes of inheritance.

Submissions (2):

GeneDx
Classification: Likely pathogenic. Last evaluated: 2026-02-09. Review status: criteria provided, single submitter. Criteria: GeneDx Variant Classification Process June 2021. Collection method: clinical testing. Allele origin: germline. Affected: yes.
Comment: Has been reported in individuals with LQTS (PMID: 19716085); Not observed at significant frequency in large population cohorts (gnomAD); Nonsense variant predicted to result in protein truncation or nonsense mediated decay in a gene for which loss of function is a known mechanism of disease; This variant is associated with the following publications: (PMID: 19716085)

Labcorp Genetics (formerly Invitae), Labcorp
Classification: Pathogenic for Long QT syndrome. Last evaluated: 2024-07-23. Review status: criteria provided, single submitter. Criteria: Invitae Variant Classification Sherloc (09022015). Collection method: clinical testing. Allele origin: germline.
Comment: This sequence change creates a premature translational stop signal (p.Ser581*) in the KCNH2 gene. It is expected to result in an absent or disrupted protein product. Loss-of-function variants in KCNH2 are known to be pathogenic (PMID: 10973849, 19862833). This variant is not present in population databases (gnomAD no frequency). This premature translational stop signal has been observed in individual(s) with clinical features of long QT syndrome (PMID: 19716085). ClinVar contains an entry for this variant (Variation ID: 200737). For these reasons, this variant has been classified as Pathogenic.

Literature cited by the submitters: PubMed 10973849 (cited by Labcorp Genetics (formerly Invitae), Labcorp); PubMed 19862833 (cited by Labcorp Genetics (formerly Invitae), Labcorp); PubMed 19716085 (cited by Labcorp Genetics (formerly Invitae), Labcorp).